The following is an entry in ClinVar:

ClinVar aggregate classification (germline): Benign. Review status: criteria provided, single submitter (1 of 4 stars). 2 submissions from 2 submitters: Benign (1). 1 of the submissions does not count toward it. Last evaluated 2024-10-22.

Conditions:
Multiple congenital exostosis (EXT). Also called: Hereditary multiple osteochondromas; Hereditary multiple exostoses; Hereditary multiple exostosis; Multiple exostoses; MULTIPLE CARTILAGINOUS EXOSTOSES; Multiple osteochondromas. Identifiers: Orphanet 321, MedGen C0015306, MONDO:0005508, HP:0002762.
EXT1-related disorder. Also called: EXT1-related condition.

Allele frequency attached by ClinVar (database versions not stated): gnomAD exomes 0.00005 and 0.00010; ExAC 0.00008; 1000 Genomes Project 30x 0.00016; 1000 Genomes Project 0.00020.
gnomAD v4.1: 80 of 1,614,018 alleles (0.005%); highest among the groups gnomAD compares: South Asian, 0.08%; 1 homozygote.

Submissions (2):

Labcorp Genetics (formerly Invitae), Labcorp
Classification: Benign for Multiple congenital exostosis. Last evaluated: 2024-10-22. Review status: criteria provided, single submitter. Criteria: Invitae Variant Classification Sherloc (09022015). Collection method: clinical testing. Allele origin: germline.

PreventionGenetics, part of Exact Sciences
Classification: Likely benign for EXT1-related condition. Last evaluated: 2023-01-27. Review status: no assertion criteria provided. Collection method: clinical testing. Allele origin: germline. Not counted in ClinVar's aggregate classification.
Comment: This variant is classified as likely benign based on ACMG/AMP sequence variant interpretation guidelines (Richards et al. 2015 PMID: 25741868, with internal and published modifications).

NM_000127.3(EXT1):c.1680C>T (p.Ala560=)

Gene: EXT1 (exostosin glycosyltransferase 1; minus strand). Cytogenetic location: 8q24.11.
Variant type: single nucleotide variant.
Coding change: c.1680C>T on transcript NM_000127.3 (MANE Select); coding-DNA position 1680, C replaced by T.
Protein change: p.Ala560=; no amino-acid change (alanine 560 retained).
Molecular consequence: synonymous variant.
Genome position (GRCh38, 1-based): chr8:117,812,914, G>A on the plus strand (C>T on the coding strand, the complement: EXT1 is on the minus strand). VCF-style: chr8-117812914-G-A. GRCh37 (hg19) VCF-style: chr8-118825153-G-A.
Identifiers: ClinVar variation 721493 (VCV000721493.10), dbSNP rs540101738, ClinGen allele CA4854048.
Genomic context (GRCh38, chr8:117,812,914, plus strand): 5'-TCAGGCATGGGTTCTTACCTCTGTTGTTGAAAGCACCGTGTCCTCGTCAAGGCTGAGCAC[G>A]GCGTCTGTGATGATGTTGTCGTAGGGCAGAAAACGGCTGCTCATAACCTGGGAGGAAGTA-3'
Protein context (NP_000118.2, residues 550-570): FLPYDNIITD[Ala560=]VLSLDEDTVL